The following is an entry in ClinVar:

ClinVar aggregate classification (germline): Uncertain significance (1 of 4 stars; one submission).

gnomAD v4.1: 2 of 1,613,694 alleles (0.00012%); highest among the groups gnomAD compares: Non-Finnish European, 0.00017%; no homozygotes.

Submission:

Labcorp Genetics (formerly Invitae), Labcorp
Classification: Uncertain significance. Last evaluated: 2024-12-23. Review status: criteria provided, single submitter. Criteria: Invitae Variant Classification Sherloc (09022015). Collection method: clinical testing. Allele origin: germline.
Comment: This sequence change replaces methionine, which is neutral and non-polar, with valine, which is neutral and non-polar, at codon 43 of the SPPL2A protein (p.Met43Val). This variant is not present in population databases (gnomAD no frequency). This variant has not been reported in the literature in individuals affected with SPPL2A-related conditions. An algorithm developed to predict the effect of missense changes on protein structure and function (PolyPhen-2) suggests that this variant is likely to be tolerated. In summary, the available evidence is currently insufficient to determine the role of this variant in disease. Therefore, it has been classified as a Variant of Uncertain Significance.

NM_032802.4(SPPL2A):c.127A>G (p.Met43Val)

Gene: SPPL2A (signal peptide peptidase like 2A; minus strand). Cytogenetic location: 15q21.2.
Variant type: single nucleotide variant.
Coding change: c.127A>G on transcript NM_032802.4 (MANE Select); coding-DNA position 127, A replaced by G.
Protein change: p.Met43Val; replaces methionine 43 with valine.
Molecular consequence: missense variant.
Genome position (GRCh38, 1-based): chr15:50,749,686, T>C on the plus strand (A>G on the coding strand, the complement: SPPL2A is on the minus strand). VCF-style: chr15-50749686-T-C. GRCh37 (hg19) VCF-style: chr15-51041883-T-C.
Other names: short protein forms M43V.
Identifiers: ClinVar variation 3671768 (VCV003671768.2).